The following is an entry in ClinVar:

GRCh37/hg19 1q23.3(chr1:161255241-161276497)

Gene: MPZ (myelin protein zero; minus strand). Cytogenetic location: 1q23.3.
Variant type: copy number loss.
Identifiers: ClinVar variation 374304 (VCV000374304.2).

ClinVar aggregate classification (germline): Pathogenic (0 of 4 stars; one submission).

Conditions:
Charcot-Marie-Tooth disease type 4E (CHN1). Also called: Hypomyelinating neuropathy, congenital, 1; Congenital hypomyelinating neuropathy 1, autosomal recessive; Congenital Hypomyelination; HYPOMYELINATION, SEVERE CONGENITAL; CHARCOT-MARIE-TOOTH DISEASE, DEMYELINATING, TYPE 4E. Identifiers: Orphanet 99951, MedGen C4721436, MONDO:0011527, OMIM 605253.

Submission:

Baylor Genetics
Classification: Pathogenic for Charcot-Marie-Tooth disease type 4E. Review status: no assertion criteria provided. Collection method: clinical testing. Allele origin: unknown. Inheritance: Autosomal recessive inheritance.